The following is an entry in ClinVar:

NM_024675.4(PALB2):c.621A>C (p.Pro207=)

Gene: PALB2 (partner and localizer of BRCA2; minus strand). Cytogenetic location: 16p12.2.
Variant type: single nucleotide variant.
Coding change: c.621A>C on transcript NM_024675.4 (MANE Select); coding-DNA position 621, A replaced by C.
Protein change: p.Pro207=; no amino-acid change (proline 207 retained).
Molecular consequence: synonymous variant. On other transcripts: 5 prime UTR variant (8), intron variant (3).
Genome position (GRCh38, 1-based): chr16:23,635,925, T>G on the plus strand (A>C on the coding strand, the complement: PALB2 is on the minus strand). VCF-style: chr16-23635925-T-G. GRCh37 (hg19) VCF-style: chr16-23647246-T-G.
Other names: c.561A>C, p.Pro187= (NM_001407296.1); c.621A>C, p.Pro207= (NM_001407297.1, NM_001407298.1, NM_001407299.1 and 3 more transcripts); c.-265A>C (NM_001407304.1, NM_001407305.1, NM_001407306.1 and 5 more transcripts); c.48+5185A>C (NM_001407314.1); c.-105+5185A>C (NM_001407313.1, NM_001407312.1).
Identifiers: ClinVar variation 4535512 (VCV004535512.2).
Genomic context (GRCh38, chr16:23,635,925, plus strand): 5'-GGCAGTTGGTGGAATTAATACACTGTCTTCATTAATTTCTGTAACTGGTTCTGGAGAATC[T>G]GGAAGTTCAGATTTAAGACTTAAAAGGTGAGTTCTTATTTCAGTTACTGGTGATCTAGCA-3'
Protein context (NP_078951.2, residues 197-217): THLLSLKSEL[Pro207=]DSPEPVTEIN

ClinVar aggregate classification (germline): Conflicting classifications of pathogenicity. Review status: criteria provided, conflicting classifications (1 of 4 stars). 2 submissions from 2 submitters: Uncertain significance (1); Likely benign (1). Last evaluated 2025-09-20.

Conditions:
Familial cancer of breast. Also called: hereditary breast carcinoma; BREAST CANCER, FAMILIAL; Hereditary breast cancer. Identifiers: Orphanet 227535, MedGen C0346153, MONDO:0016419, OMIM 114480. Disease mechanism: loss of function.

Submissions (2):

Labcorp Genetics (formerly Invitae), Labcorp
Classification: Likely benign for Familial cancer of breast. Last evaluated: 2025-09-20. Review status: criteria provided, single submitter. Criteria: Invitae Variant Classification Sherloc (09022015). Collection method: clinical testing. Allele origin: germline.

Women's Health and Genetics/Laboratory Corporation of America, LabCorp
Classification: Uncertain significance. Last evaluated: 2025-09-15. Review status: criteria provided, single submitter. Criteria: LabCorp Variant Classification Summary - May 2015. Collection method: clinical testing. Allele origin: germline.
Comment: Variant summary: PALB2 c.621A>C results in a synonymous change. Several computational tools predict a significant impact on normal splicing: Two predict the variant abolishes a cryptic 3' acceptor site. Three predict the variant creates a 3' acceptor site. However, these predictions have yet to be confirmed by functional studies. The variant was absent in 251410 control chromosomes. The available data on variant occurrences in the general population are insufficient to allow any conclusion about variant significance. To our knowledge, no occurrence of c.621A>C in individuals affected with PALB2-related conditions and no experimental evidence demonstrating its impact on protein function have been reported. No submitters have cited clinical-significance assessments for this variant to ClinVar. Based on the evidence outlined above, the variant was classified as uncertain significance.